The following is an entry in ClinVar:

ClinVar aggregate classification (germline): Benign/Likely benign. Review status: criteria provided, multiple submitters, no conflicts (2 of 4 stars). 11 submissions from 11 submitters: Benign (2); Likely benign (5). 4 of the submissions do not count toward it. Last evaluated 2026-08-01.

Conditions:
BMP1-related disorder. Also called: BMP1-related condition.
Osteogenesis imperfecta type 13. Also called: OI, TYPE XIII; Osteogenesis imperfecta, type xiii. Identifiers: Orphanet 666, MedGen C3553887, MONDO:0013924, OMIM 614856.
Osteogenesis imperfecta (OI). Identifiers: Orphanet 666, MedGen C0029434, MeSH D010013, MONDO:0019019.

Allele frequency attached by ClinVar (database versions not stated): 1000 Genomes Project 0.00339; ExAC 0.00371; 1000 Genomes Project 30x 0.00375; gnomAD exomes 0.00413 and 0.00560; gnomAD 0.00418 and 0.00427; TOPMed 0.00442; ESP Exome Variant Server 0.00515.

Submissions (11):

CeGaT Center for Human Genetics Tuebingen
Classification: Likely benign. Last evaluated: 2026-08-01. Review status: criteria provided, single submitter. Criteria: CeGaT Center For Human Genetics Tuebingen Variant Classification Criteria Version 2. Collection method: clinical testing. Allele origin: germline. Affected: yes. Observed: 10 variant alleles.
Comment: BMP1: BS2

Labcorp Genetics (formerly Invitae), Labcorp
Classification: Benign. Last evaluated: 2026-02-02. Review status: criteria provided, single submitter. Criteria: Invitae Variant Classification Sherloc (09022015). Collection method: clinical testing. Allele origin: germline.

Genome Diagnostics Laboratory, The Hospital for Sick Children
Classification: Likely benign for Osteogenesis imperfecta. Last evaluated: 2021-10-21. Review status: criteria provided, single submitter. Criteria: ACMG Guidelines, 2015. Collection method: clinical testing. Allele origin: germline.

GeneDx
Classification: Benign. Last evaluated: 2018-07-02. Review status: criteria provided, single submitter. Criteria: GeneDx Variant Classification (06012015). Collection method: clinical testing. Allele origin: germline. Affected: yes.
Comment: This variant is considered likely benign or benign based on one or more of the following criteria: it is a conservative change, it occurs at a poorly conserved position in the protein, it is predicted to be benign by multiple in silico algorithms, and/or has population frequency not consistent with disease.

Eurofins Ntd Llc (ga)
Classification: Likely benign. Last evaluated: 2018-05-08. Review status: criteria provided, single submitter. Criteria: EGL ClinVar v180209 classification definitions. Collection method: clinical testing. Allele origin: germline. Observed: 1 variant allele, 1 heterozygote.

Illumina Laboratory Services, Illumina
Classification: Likely benign for Osteogenesis imperfecta type 13. Last evaluated: 2018-01-13. Review status: criteria provided, single submitter. Criteria: ICSL Variant Classification Criteria 13 December 2019. Collection method: clinical testing. Allele origin: germline.
Comment: This variant was observed in the ICSL laboratory as part of a predisposition screen in an ostensibly healthy population. It had not been previously curated by ICSL or reported in the Human Gene Mutation Database (HGMD: prior to June 1st, 2018), and was therefore a candidate for classification through an automated scoring system. Utilizing variant allele frequency, disease prevalence and penetrance estimates, and inheritance mode, an automated score was calculated to assess if this variant is too frequent to cause the disease. Based on the score and internal cut-off values, a variant classified as likely benign is not then subjected to further curation. The score for this variant resulted in a classification of likely benign for this disease.

Breakthrough Genomics
Classification: Likely benign. Review status: criteria provided, single submitter. Criteria: ACMG Guidelines, 2015. Collection method: not provided. Allele origin: germline. Inheritance: Autosomal recessive inheritance. Affected: yes.

PreventionGenetics, part of Exact Sciences
Classification: Likely benign for BMP1-related condition. Last evaluated: 2019-12-11. Review status: no assertion criteria provided. Collection method: clinical testing. Allele origin: germline. Not counted in ClinVar's aggregate classification.
Comment: This variant is classified as likely benign based on ACMG/AMP sequence variant interpretation guidelines (Richards et al. 2015 PMID: 25741868, with internal and published modifications).

Clinical Genetics DNA and cytogenetics Diagnostics Lab, Erasmus MC, Erasmus Medical Center
Classification: Benign. Review status: no assertion criteria provided. Collection method: clinical testing. Allele origin: germline. Affected: yes. Study: VKGL Data-share Consensus. Not counted in ClinVar's aggregate classification.

Genome Diagnostics Laboratory, Amsterdam University Medical Center
Classification: Likely benign. Review status: no assertion criteria provided. Collection method: clinical testing. Allele origin: germline. Affected: yes. Study: VKGL Data-share Consensus. Not counted in ClinVar's aggregate classification.

Laboratory of Diagnostic Genome Analysis, Leiden University Medical Center (LUMC)
Classification: Likely benign. Review status: no assertion criteria provided. Collection method: clinical testing. Allele origin: germline. Affected: yes. Study: VKGL Data-share Consensus. Not counted in ClinVar's aggregate classification.

NM_006129.5(BMP1):c.1112G>A (p.Arg371His)

Gene: BMP1 (bone morphogenetic protein 1; plus strand). Cytogenetic location: 8p21.3.
Variant type: single nucleotide variant.
Coding change: c.1112G>A on transcript NM_006129.5 (MANE Select); coding-DNA position 1112, G replaced by A.
Protein change: p.Arg371His; replaces arginine 371 with histidine.
Molecular consequence: missense variant. On other transcripts: non-coding transcript variant (2).
Genome position (GRCh38, 1-based): chr8:22,192,083, G>A. VCF-style: chr8-22192083-G-A. GRCh37 (hg19) VCF-style: chr8-22049596-G-A.
Other names: c.1112G>A, p.Arg371His (NM_001199.4); short protein forms R371H.
Identifiers: ClinVar variation 362580 (VCV000362580.49), dbSNP rs145284541, ClinGen allele CA4664551.
Genomic context (GRCh38, chr8:22,192,083, plus strand): 5'-ACCCTCTTCCTCCCCTGTTGCCCTAGATCATCCTGAACTTCACGTCCCTGGACCTGTACC[G>A]CAGCCGCCTGTGCTGGTACGACTATGTGGAGGTCCGAGATGGCTTCTGGAGGAAGGCGCC-3'
Protein context (NP_006120.1, residues 361-381): ILNFTSLDLY[Arg371His]SRLCWYDYVE